The following is an entry in ClinVar:

ClinVar aggregate classification (germline): Uncertain significance (1 of 4 stars; one submission).

Conditions:
Desmin-related myofibrillar myopathy (MFM1). Also called: Desmin related myopathy (former name); Desmin storage myopathy (former name); MYOFIBRILLAR MYOPATHY WITH ARRHYTHMOGENIC RIGHT VENTRICULAR CARDIOMYOPATHY; DESMIN-RELATED MYOPATHY WITH ARRHYTHMOGENIC RIGHT VENTRICULAR CARDIOMYOPATHY; Desminopathy; Myofibrillar myopathy 1. Identifiers: Orphanet 363543, Orphanet 98909, MedGen C1832370, MONDO:0011076, OMIM 601419.

Submission:

Labcorp Genetics (formerly Invitae), Labcorp
Classification: Uncertain significance for Desmin-related myofibrillar myopathy. Last evaluated: 2024-04-25. Review status: criteria provided, single submitter. Criteria: Invitae Variant Classification Sherloc (09022015). Collection method: clinical testing. Allele origin: germline.
Comment: This sequence change replaces glycine, which is neutral and non-polar, with glutamic acid, which is acidic and polar, at codon 20 of the DES protein (p.Gly20Glu). This variant is not present in population databases (gnomAD no frequency). This variant has not been reported in the literature in individuals affected with DES-related conditions. ClinVar contains an entry for this variant (Variation ID: 1441213). Advanced modeling of protein sequence and biophysical properties (such as structural, functional, and spatial information, amino acid conservation, physicochemical variation, residue mobility, and thermodynamic stability) has been performed at Invitae for this missense variant, however the output from this modeling did not meet the statistical confidence thresholds required to predict the impact of this variant on DES protein function. In summary, the available evidence is currently insufficient to determine the role of this variant in disease. Therefore, it has been classified as a Variant of Uncertain Significance.

NM_001927.4(DES):c.59G>A (p.Gly20Glu)

Gene: DES (desmin; plus strand). Cytogenetic location: 2q35.
Variant type: single nucleotide variant.
Coding change: c.59G>A on transcript NM_001927.4 (MANE Select); coding-DNA position 59, G replaced by A.
Protein change: p.Gly20Glu; replaces glycine 20 with glutamic acid.
Molecular consequence: missense variant.
Genome position (GRCh38, 1-based): chr2:219,418,521, G>A. VCF-style: chr2-219418521-G-A. GRCh37 (hg19) VCF-style: chr2-220283243-G-A.
Other names: c.59G>A, p.Gly20Glu (NM_001382708.1, NM_001382709.1, NM_001382710.1 and 3 more transcripts); short protein forms G20E.
Identifiers: ClinVar variation 1441213 (VCV001441213.8), dbSNP rs2125165738, ClinGen allele CA350682451.